The following is an entry in ClinVar:

NM_018105.3(THAP1):c.2T>C (p.Met1Thr)

Gene: THAP1 (THAP domain containing 1; minus strand). Cytogenetic location: 8p11.21.
Variant type: single nucleotide variant.
Coding change: c.2T>C on transcript NM_018105.3 (MANE Select); coding-DNA position 2, T replaced by C.
Protein change: p.Met1Thr; changes the start codon (methionine 1).
Molecular consequence: missense variant, initiator codon variant.
Genome position (GRCh38, 1-based): chr8:42,843,093, A>G on the plus strand (T>C on the coding strand, the complement: THAP1 is on the minus strand). VCF-style: chr8-42843093-A-G. GRCh37 (hg19) VCF-style: chr8-42698236-A-G.
Other names: c.2T>C, p.Met1Thr (NM_199003.2); short protein forms M1T.
Identifiers: ClinVar variation 582441 (VCV000582441.6), dbSNP rs1563646198, ClinGen allele CA371109576.

ClinVar aggregate classification (germline): Pathogenic (1 of 4 stars; one submission).

Conditions:
Torsion dystonia 6 (DYT6). Also called: DYT-THAP1. Identifiers: Orphanet 98806, MedGen C1414216, MONDO:0011264, OMIM 602629.

Submission:

Labcorp Genetics (formerly Invitae), Labcorp
Classification: Pathogenic for Torsion dystonia 6. Last evaluated: 2021-11-11. Review status: criteria provided, single submitter. Criteria: Invitae Variant Classification Sherloc (09022015). Collection method: clinical testing. Allele origin: germline.
Comment: This variant disrupts a region of the THAP1 protein in which other variant(s) (p.Pro26Leu) have been determined to be pathogenic (Invitae). This suggests that this is a clinically significant region of the protein, and that variants that disrupt it are likely to be disease-causing. ClinVar contains an entry for this variant (Variation ID: 582441). This variant has not been reported in the literature in individuals affected with THAP1-related conditions. This variant is not present in population databases (gnomAD no frequency). This sequence change affects the initiator methionine of the THAP1 mRNA. The next in-frame methionine is located at codon 120. For these reasons, this variant has been classified as Pathogenic.